The following is an entry in ClinVar:

NM_022575.4(VPS16):c.1939C>T (p.Arg647Ter)

Genes: PTPRA (protein tyrosine phosphatase receptor type A; plus strand), VPS16 (VPS16 core subunit of CORVET and HOPS complexes; plus strand). Cytogenetic location: 20p13.
Variant type: single nucleotide variant.
Coding change: c.1939C>T on transcript NM_022575.4 (MANE Select); coding-DNA position 1939, C replaced by T.
Protein change: p.Arg647Ter; replaces arginine 647 with a stop codon.
Molecular consequence: nonsense. On other transcripts: 5 prime UTR variant (1).
Genome position (GRCh38, 1-based): chr20:2,864,990, C>T. VCF-style: chr20-2864990-C-T. GRCh37 (hg19) VCF-style: chr20-2845636-C-T.
Other names: c.-364C>T (NM_002836.4); c.1507C>T, p.Arg503Ter (NM_080413.3); short protein forms R503*, R647*.
Identifiers: ClinVar variation 1184932 (VCV001184932.7), dbSNP rs374914263, ClinGen allele CA9737936.

ClinVar aggregate classification (germline): Conflicting classifications of pathogenicity. Review status: criteria provided, conflicting classifications (1 of 4 stars). 3 submissions from 3 submitters: Pathogenic (1); Uncertain significance (1). 1 of the submissions does not count toward it. Last evaluated 2025-02-24.

Conditions:
VPS16-related disorder. Also called: VPS16-related condition.

Allele frequency attached by ClinVar (database versions not stated): TOPMed 0.00002; ESP Exome Variant Server 0.00008.
gnomAD v4.1: 5 of 1,613,994 alleles (0.00031%); highest among the groups gnomAD compares: African/African-American, 0.004%; no homozygotes.

Submissions (3):

GeneDx
Classification: Uncertain significance. Last evaluated: 2025-02-24. Review status: criteria provided, single submitter. Criteria: GeneDx Variant Classification Process June 2021. Collection method: clinical testing. Allele origin: germline.
Comment: Identified in multiple patients with dystonia in published literature (PMID: 34901436, 38291845, 39887724); Nonsense variant predicted to result in protein truncation or nonsense mediated decay in a gene or region of a gene for which loss of function is not a well-established mechanism of disease; Not observed at significant frequency in large population cohorts (gnomAD); This variant is associated with the following publications: (PMID: 38291845, 34901436, 39887724)

Institute of Medical Genetics and Applied Genomics, University Hospital Tübingen
Classification: Pathogenic. Last evaluated: 2021-06-17. Review status: criteria provided, single submitter. Criteria: ACMG Guidelines, 2015. Collection method: clinical testing. Allele origin: germline. Inheritance: Unknown mechanism. Affected: yes.

PreventionGenetics, part of Exact Sciences
Classification: Likely pathogenic for VPS16-related condition. Last evaluated: 2024-03-20. Review status: no assertion criteria provided. Collection method: clinical testing. Allele origin: germline. Not counted in ClinVar's aggregate classification.
Comment: The VPS16 c.1939C>T variant is predicted to result in premature protein termination (p.Arg647*). This variant has been reported in an individual with clinical features of dystonia (Patient 4, Park et al. 2022. PubMed ID: 34901436). This variant is reported in 0.0062% of alleles in individuals of African descent in gnomAD. Nonsense variants in VPS16 are expected to be pathogenic. This variant is interpreted as likely pathogenic.